The following is an entry in ClinVar:

NM_006662.3(SRCAP):c.3440C>T (p.Thr1147Ile)

Gene: SRCAP (Snf2 related CREBBP activator protein; plus strand). Cytogenetic location: 16p11.2.
Variant type: single nucleotide variant.
Coding change: c.3440C>T on transcript NM_006662.3 (MANE Select); coding-DNA position 3440, C replaced by T.
Protein change: p.Thr1147Ile; replaces threonine 1147 with isoleucine.
Molecular consequence: missense variant.
Genome position (GRCh38, 1-based): chr16:30,721,375, C>T. VCF-style: chr16-30721375-C-T. GRCh37 (hg19) VCF-style: chr16-30732696-C-T.
Other names: short protein forms T1147I.
Identifiers: ClinVar variation 3350121 (VCV003350121.1).
Genomic context (GRCh38, chr16:30,721,375, plus strand): 5'-TGTTGAAGCCCCTGACAGTGCCACCAGGCTACACCTTCCCTCCTGCTGCTGCCACCACCA[C>T]TTCTACCACCACGGCAACTGCTACCACCACAGCAGTGCCAGCTCCGACTCCTGCACCACA-3'
Protein context (NP_006653.2, residues 1137-1157): YTFPPAAATT[Thr1147Ile]STTTATATTT

ClinVar aggregate classification (germline): Uncertain significance (0 of 4 stars; one submission).

Conditions:
SRCAP-related disorder. Also called: SRCAP-related condition.

gnomAD v4.1: 2 of 1,613,990 alleles (0.00012%); highest among the groups gnomAD compares: African/African-American, 0.0013%; no homozygotes.

Submission:

PreventionGenetics, part of Exact Sciences
Classification: Uncertain significance for SRCAP-related condition. Last evaluated: 2024-04-26. Review status: no assertion criteria provided. Collection method: clinical testing. Allele origin: germline.
Comment: The SRCAP c.3440C>T variant is predicted to result in the amino acid substitution p.Thr1147Ile. To our knowledge, this variant has not been reported in the literature or in a large population database, indicating this variant is rare. At this time, the clinical significance of this variant is uncertain due to the absence of conclusive functional and genetic evidence.